The following is an entry in ClinVar:

ClinVar aggregate classification (germline): Benign. Review status: criteria provided, multiple submitters, no conflicts (2 of 4 stars). 9 submissions from 9 submitters: Benign (9). Last evaluated 2026-02-02.

Conditions:
Osteogenesis imperfecta (OI). Identifiers: Orphanet 666, MedGen C0029434, MeSH D010013, MONDO:0019019.
Osteogenesis imperfecta type 7 (OI7). Also called: Osteogenesis imperfecta type 2B; OI type 2B; Osteogenesis imperfecta, perinatal lethal autosomal recessive; OI type IIB; OI type 7; OI type VII. Identifiers: MedGen C1853162, MONDO:0012536, OMIM 610682.

Allele frequency attached by ClinVar (database versions not stated): ExAC 0.00953; ESP Exome Variant Server 0.03029; 1000 Genomes Project 0.03075; TOPMed 0.03093; 1000 Genomes Project 30x 0.03201.
gnomAD v4.1: 9,300 of 1,613,268 alleles (0.58%); highest among the groups gnomAD compares: African/African-American, 9.4%; 351 homozygotes.

Submissions (9):

Labcorp Genetics (formerly Invitae), Labcorp
Classification: Benign for Osteogenesis imperfecta type 7. Last evaluated: 2026-02-02. Review status: criteria provided, single submitter. Criteria: Invitae Variant Classification Sherloc (09022015). Collection method: clinical testing. Allele origin: germline.

ARUP Laboratories, Molecular Genetics and Genomics, ARUP Laboratories
Classification: Benign for Osteogenesis imperfecta type 7. Last evaluated: 2025-02-11. Review status: criteria provided, single submitter. Criteria: ARUP Molecular Germline Variant Investigation Process 2024. Collection method: clinical testing. Allele origin: germline.

Mayo Clinic Laboratories, Mayo Clinic
Classification: Benign. Last evaluated: 2023-11-15. Review status: criteria provided, single submitter. Criteria: ACMG Guidelines, 2015. Collection method: clinical testing. Allele origin: germline. Observed: 2 variant alleles.
Comment: BA1, BS2

Genome Diagnostics Laboratory, The Hospital for Sick Children
Classification: Benign for Osteogenesis imperfecta. Last evaluated: 2021-06-18. Review status: criteria provided, single submitter. Criteria: ACMG Guidelines, 2015. Collection method: clinical testing. Allele origin: germline.

Illumina Laboratory Services, Illumina
Classification: Benign for Osteogenesis imperfecta type 7. Last evaluated: 2018-01-13. Review status: criteria provided, single submitter. Criteria: ICSL Variant Classification Criteria 13 December 2019. Collection method: clinical testing. Allele origin: germline.
Comment: This variant was observed in the ICSL laboratory as part of a predisposition screen in an ostensibly healthy population. It had not been previously curated by ICSL or reported in the Human Gene Mutation Database (HGMD: prior to June 1st, 2018), and was therefore a candidate for classification through an automated scoring system. Utilizing variant allele frequency, disease prevalence and penetrance estimates, and inheritance mode, an automated score was calculated to assess if this variant is too frequent to cause the disease. Based on the score and internal cut-off values, a variant classified as benign is not then subjected to further curation. The score for this variant resulted in a classification of benign for this disease.

Center for Pediatric Genomic Medicine, Children's Mercy Hospital and Clinics
Classification: Benign. Last evaluated: 2017-04-18. Review status: criteria provided, single submitter. Criteria: ACMG Guidelines, 2015. Collection method: clinical testing. Allele origin: germline.

GeneDx
Classification: Benign. Last evaluated: 2016-05-27. Review status: criteria provided, single submitter. Criteria: GeneDx Variant Classification (06012015). Collection method: clinical testing. Allele origin: germline. Affected: yes.
Comment: This variant is considered likely benign or benign based on one or more of the following criteria: it is a conservative change, it occurs at a poorly conserved position in the protein, it is predicted to be benign by multiple in silico algorithms, and/or has population frequency not consistent with disease.

Eurofins Ntd Llc (ga)
Classification: Benign. Last evaluated: 2015-02-10. Review status: criteria provided, single submitter. Criteria: EGL Classification Definitions 2015. Collection method: clinical testing. Allele origin: germline. Observed: 5 variant alleles, 4 heterozygotes, 1 homozygote.

Breakthrough Genomics
Classification: Benign. Review status: criteria provided, single submitter. Criteria: ACMG Guidelines, 2015. Collection method: not provided. Allele origin: germline. Inheritance: Autosomal recessive inheritance. Affected: yes.

Literature cited by the submitters: PubMed 26634552 (cited by Mayo Clinic Laboratories, Mayo Clinic).

NM_006371.5(CRTAP):c.558A>G (p.Ala186=)

Gene: CRTAP (cartilage associated protein; plus strand). Cytogenetic location: 3p22.3.
Variant type: single nucleotide variant.
Coding change: c.558A>G on transcript NM_006371.5 (MANE Select); coding-DNA position 558, A replaced by G.
Protein change: p.Ala186=; no amino-acid change (alanine 186 retained).
Molecular consequence: synonymous variant. On other transcripts: intron variant (1).
Genome position (GRCh38, 1-based): chr3:33,120,430, A>G. VCF-style: chr3-33120430-A-G. GRCh37 (hg19) VCF-style: chr3-33161922-A-G.
Other names: p.Ala186=; c.558A>G, p.Ala186= (NM_001393363.1, NM_001393364.1); c.472-3978A>G (NM_001393365.1).
Identifiers: ClinVar variation 195266 (VCV000195266.33), dbSNP rs35357409, ClinGen allele CA201648.